The following is an entry in ClinVar:

NM_003640.5(ELP1):c.1092G>C (p.Gln364His)

Gene: ELP1 (elongator acetyltransferase complex subunit 1; minus strand). Cytogenetic location: 9q31.3.
Variant type: single nucleotide variant.
Coding change: c.1092G>C on transcript NM_003640.5 (MANE Select); coding-DNA position 1092, G replaced by C.
Protein change: p.Gln364His; replaces glutamine 364 with histidine.
Molecular consequence: missense variant.
Genome position (GRCh38, 1-based): chr9:108,912,361, C>G on the plus strand (G>C on the coding strand, the complement: ELP1 is on the minus strand). VCF-style: chr9-108912361-C-G. GRCh37 (hg19) VCF-style: chr9-111674641-C-G.
Other names: c.750G>C, p.Gln250His (NM_001318360.2); c.45G>C, p.Gln15His (NM_001330749.2); short protein forms Q15H, Q250H, Q364H.
Identifiers: ClinVar variation 1402835 (VCV001402835.8), dbSNP rs1829258370, ClinGen allele CA374429434.
Genomic context (GRCh38, chr9:108,912,361, plus strand): 5'-ATTATCTCCCACGCTCCGGTCAGTCGTCCAGTGCCAATCATAGGCGAGGTAATGCCAGCC[C>G]TGACAGAGAACATGCAGCCGGTATGGGGTCACAGGGTCCCACATCAGAGACACAATCTTG-3'
Protein context (NP_003631.2, residues 354-374): VTPYRLHVLC[Gln364His]GWHYLAYDWH

ClinVar aggregate classification (germline): Uncertain significance (1 of 4 stars; one submission).

Allele frequency attached by ClinVar (database versions not stated): gnomAD exomes below 0.00001.

Submission:

Labcorp Genetics (formerly Invitae), Labcorp
Classification: Uncertain significance. Last evaluated: 2023-12-19. Review status: criteria provided, single submitter. Criteria: Invitae Variant Classification Sherloc (09022015). Collection method: clinical testing. Allele origin: germline.
Comment: This sequence change replaces glutamine, which is neutral and polar, with histidine, which is basic and polar, at codon 364 of the ELP1 protein (p.Gln364His). This variant is not present in population databases (gnomAD no frequency). This variant has not been reported in the literature in individuals affected with ELP1-related conditions. ClinVar contains an entry for this variant (Variation ID: 1402835). Advanced modeling of protein sequence and biophysical properties (such as structural, functional, and spatial information, amino acid conservation, physicochemical variation, residue mobility, and thermodynamic stability) performed at Invitae indicates that this missense variant is not expected to disrupt ELP1 protein function with a negative predictive value of 80%. In summary, the available evidence is currently insufficient to determine the role of this variant in disease. Therefore, it has been classified as a Variant of Uncertain Significance.